The following is an entry in ClinVar:

ClinVar aggregate classification (germline): Conflicting classifications of pathogenicity. Review status: criteria provided, conflicting classifications (1 of 4 stars). 5 submissions from 5 submitters: Uncertain significance (1); Likely benign (4). Last evaluated 2026-06-30.

Conditions:
Cardiovascular phenotype. Identifiers: MedGen CN230736.

Allele frequency attached by ClinVar (database versions not stated): TOPMed 0.00017; gnomAD exomes 0.00020 and 0.00007; 1000 Genomes Project 0.00040; 1000 Genomes Project 30x 0.00047; gnomAD 0.00010; ExAC 0.00015.

Submissions (5):

Women's Health and Genetics/Laboratory Corporation of America, LabCorp
Classification: Likely benign. Last evaluated: 2026-06-30. Review status: criteria provided, single submitter. Criteria: LabCorp Variant Classification Summary - May 2015. Collection method: clinical testing. Allele origin: germline.
Comment: Variant summary: APOA1 c.454G>A (p.Glu152Lys) results in a conservative amino acid change in the encoded protein sequence. Algorithms developed to predict the effect of missense changes on protein structure and function all suggest that this variant is likely to be tolerated. The variant allele was found at a frequency of 0.0002 in 250434 control chromosomes, predominantly at a frequency of 0.0012 within the Latino subpopulation in the gnomAD database. The observed variant frequency within Latino control individuals in the gnomAD database exceeds the estimated maximal expected allele frequency for disease-causing variants in APOA1. To our knowledge, no occurrence of c.454G>A in individuals affected with APOA1-related conditions and no experimental evidence demonstrating its impact on protein function have been reported. ClinVar contains an entry for this variant (Variation ID: 302505). Based on the evidence outlined above, the variant was classified as likely benign.

Labcorp Genetics (formerly Invitae), Labcorp
Classification: Likely benign. Last evaluated: 2026-01-11. Review status: criteria provided, single submitter. Criteria: Invitae Variant Classification Sherloc (09022015). Collection method: clinical testing. Allele origin: germline.

Blueprint Genetics
Classification: Likely benign. Last evaluated: 2024-11-06. Review status: criteria provided, single submitter. Criteria: ACMG Guidelines, 2015. Collection method: clinical testing. Allele origin: germline.

GeneDx
Classification: Uncertain significance. Last evaluated: 2023-02-28. Review status: criteria provided, single submitter. Criteria: GeneDx Variant Classification Process June 2021. Collection method: clinical testing. Allele origin: germline. Affected: yes.
Comment: Has not been previously published as pathogenic or benign to our knowledge; In silico analysis supports that this missense variant does not alter protein structure/function

Ambry Genetics
Classification: Likely benign for Cardiovascular phenotype. Last evaluated: 2020-03-09. Review status: criteria provided, single submitter. Criteria: Ambry Variant Classification Scheme 2023. Collection method: clinical testing. Allele origin: germline.

NM_000039.3(APOA1):c.454G>A (p.Glu152Lys)

Genes: APOA1 (apolipoprotein A1; minus strand), APOA1-AS (APOA1 antisense RNA; plus strand). Cytogenetic location: 11q23.3.
Variant type: single nucleotide variant.
Coding change: c.454G>A on transcript NM_000039.3 (MANE Select); coding-DNA position 454, G replaced by A.
Protein change: p.Glu152Lys; replaces glutamic acid 152 with lysine.
Molecular consequence: missense variant. On other transcripts: non-coding transcript variant (1).
Genome position (GRCh38, 1-based): chr11:116,836,158, C>T on the plus strand (G>A on the coding strand, the complement: APOA1 is on the minus strand). VCF-style: chr11-116836158-C-T. GRCh37 (hg19) VCF-style: chr11-116706874-C-T.
Other names: c.454G>A, p.Glu152Lys (NM_001318017.2, NM_001318018.2); c.127G>A, p.Glu43Lys (NM_001318021.2); short protein forms E152K, E43K.
Identifiers: ClinVar variation 302505 (VCV000302505.15), dbSNP rs574061789, ClinGen allele CA6289804.